The following is an entry in ClinVar:

ClinVar aggregate classification (germline): Benign/Likely benign. Review status: criteria provided, multiple submitters, no conflicts (2 of 4 stars). 9 submissions from 9 submitters: Benign (2); Likely benign (4). 3 of the submissions do not count toward it. Last evaluated 2026-07-01.

Conditions:
Charcot-Marie-Tooth disease. Also called: Charcot-Marie-Tooth Neuropathy; Charcot-Marie-Tooth Hereditary Neuropathy. Identifiers: Orphanet 166, MedGen C0007959, MONDO:0015626.
Charcot-Marie-Tooth disease type 2. Also called: Charcot-Marie-Tooth type 2. Identifiers: Orphanet 64746, MedGen C0270914, MONDO:0018993.
Neuroblastoma (NB). Identifiers: Orphanet 635, MedGen C0027819, MeSH D009447, MONDO:0005072, HP:0003006.

Allele frequency attached by ClinVar (database versions not stated): 1000 Genomes Project 0.00020; 1000 Genomes Project 30x 0.00031; gnomAD exomes 0.00199 and 0.00136; TOPMed 0.00103; gnomAD 0.00113 and 0.00118; ESP Exome Variant Server 0.00131; ExAC 0.00176.
gnomAD v4.1: 3,050 of 1,614,156 alleles (0.19%); highest among the groups gnomAD compares: Non-Finnish European, 0.25%; 5 homozygotes.

Submissions (10):

CeGaT Center for Human Genetics Tuebingen
Classification: Likely benign. Last evaluated: 2026-07-01. Review status: criteria provided, single submitter. Criteria: CeGaT Center For Human Genetics Tuebingen Variant Classification Criteria Version 2. Collection method: clinical testing. Allele origin: germline. Affected: yes. Observed: 12 variant alleles.
Comment: KIF1B: BS1

Labcorp Genetics (formerly Invitae), Labcorp
Classification: Benign for Charcot-Marie-Tooth disease type 2. Last evaluated: 2026-01-26. Review status: criteria provided, single submitter. Criteria: Invitae Variant Classification Sherloc (09022015). Collection method: clinical testing. Allele origin: germline.

Blueprint Genetics
Classification: Likely benign. Last evaluated: 2024-11-25. Review status: criteria provided, single submitter. Criteria: ACMG Guidelines, 2015. Collection method: clinical testing. Allele origin: germline.

ARUP Laboratories, Molecular Genetics and Genomics, ARUP Laboratories
Classification: Likely benign. Last evaluated: 2023-10-26. Review status: criteria provided, single submitter. Criteria: ARUP Molecular Germline Variant Investigation Process 2024. Collection method: clinical testing. Allele origin: germline.

Illumina Laboratory Services, Illumina
Classification: Benign for Neuroblastoma. Last evaluated: 2018-01-13. Review status: criteria provided, single submitter. Criteria: ICSL Variant Classification Criteria 13 December 2019. Collection method: clinical testing. Allele origin: germline.
Comment: This variant was observed in the ICSL laboratory as part of a predisposition screen in an ostensibly healthy population. It had not been previously curated by ICSL or reported in the Human Gene Mutation Database (HGMD: prior to June 1st, 2018), and was therefore a candidate for classification through an automated scoring system. Utilizing variant allele frequency, disease prevalence and penetrance estimates, and inheritance mode, an automated score was calculated to assess if this variant is too frequent to cause the disease. Based on the score and internal cut-off values, a variant classified as benign is not then subjected to further curation. The score for this variant resulted in a classification of benign for this disease.

Molecular Genetics Laboratory, London Health Sciences Centre
Classification: Likely benign for Charcot-Marie-Tooth disease. Review status: criteria provided, single submitter. Criteria: ACMG Guidelines, 2015. Collection method: clinical testing. Allele origin: germline. Affected: yes.

Clinical Genetics DNA and cytogenetics Diagnostics Lab, Erasmus MC, Erasmus Medical Center
Classification: Likely benign. Review status: no assertion criteria provided. Collection method: clinical testing. Allele origin: germline. Affected: yes. Study: VKGL Data-share Consensus. Not counted in ClinVar's aggregate classification.

Clinical Genetics, Academic Medical Center
Classification: Likely benign. Review status: no assertion criteria provided. Collection method: clinical testing. Allele origin: germline. Affected: yes. Study: VKGL Data-share Consensus. Not counted in ClinVar's aggregate classification.

Dr. Peter K. Rogan Lab, Western University
No classification provided (evidence only). Condition: Acute myeloid leukemia. Review status: no classification provided. Collection method: in vitro. Allele origin: not applicable. Functional consequence: retained intron. Not counted in ClinVar's aggregate classification.

Genome Diagnostics Laboratory, University Medical Center Utrecht
Classification: Likely benign. Review status: no assertion criteria provided. Collection method: clinical testing. Allele origin: germline. Affected: yes. Study: VKGL Data-share Consensus. Not counted in ClinVar's aggregate classification.

NM_001365951.3(KIF1B):c.3259+9A>G

Gene: KIF1B (kinesin family member 1B; plus strand). Cytogenetic location: 1p36.22.
Variant type: single nucleotide variant.
Coding change: c.3259+9A>G on transcript NM_001365951.3 (MANE Select); 9 bases into the intron after coding-DNA position 3259, A replaced by G.
Molecular consequence: intron variant.
Genome position (GRCh38, 1-based): chr1:10,337,212, A>G. VCF-style: chr1-10337212-A-G. GRCh37 (hg19) VCF-style: chr1-10397270-A-G.
Other names: c.3121+9A>G (NM_015074.3); c.3259+9A>G (NM_001365952.1).
Identifiers: ClinVar variation 291566 (VCV000291566.55), dbSNP rs149566646, ClinGen allele CA581737.